The following is an entry in ClinVar:

ClinVar aggregate classification (germline): Pathogenic (1 of 4 stars; one submission).

Conditions:
Familial isolated deficiency of vitamin E (AVED). Also called: ATAXIA, FRIEDREICH-LIKE, WITH SELECTIVE VITAMIN E DEFICIENCY; Ataxia with isolated vitamin E deficiency. Identifiers: Orphanet 96, MedGen C1848533, MONDO:0010188, OMIM 277460.

Submission:

Myriad Genetics, Inc.
Classification: Pathogenic for Familial isolated deficiency of vitamin E. Last evaluated: 2023-08-22. Review status: criteria provided, single submitter. Criteria: Myriad Autosomal Dominant, Autosomal Recessive and X-Linked Classification Criteria (2023). Collection method: clinical testing. Allele origin: unknown.
Comment: NM_000370.3(TTPA):c.269dupG(S91Kfs*41) is expected to be pathogenic in the context of ataxia with vitamin E deficiency. This variant is predicted to lead to an abnormal or absent protein product due to the creation of a premature termination codon in TTPA, a gene where loss-of-function variants are known to be pathogenic. Please note: this variant was assessed in the context of healthy population screening.

NM_000370.3(TTPA):c.269dup (p.Ser91fs)

Gene: TTPA (alpha tocopherol transfer protein; minus strand). Cytogenetic location: 8q12.3.
Variant type: Duplication.
Coding change: c.269dup on transcript NM_000370.3 (MANE Select); coding-DNA position 269, one base duplicated (G; older notation c.269dupG).
Protein change: p.Ser91fs; shifts the reading frame from serine 91.
Molecular consequence: frameshift variant. On other transcripts: non-coding transcript variant (2), intron variant (2).
Genome position (GRCh38, 1-based): chr8:63,073,024, C duplicated on the plus strand (G on the coding strand, the reverse complement: TTPA is on the minus strand). VCF-style (leftmost placement, unchanged base first): chr8-63073023-T-TC. GRCh37 (hg19) VCF-style: chr8-63985582-T-TC.
Other names: c.269dup, p.Ser91fs (NM_001413415.1, NM_001413416.1, NM_001413418.1); c.205-11599dup (NM_001413417.1); c.205-8708dup (NM_001413414.1); short protein forms S91fs.
Identifiers: ClinVar variation 5011449 (VCV005011449.1).